The following is an entry in ClinVar:

NC_000003.12:g.169764793C>T

Genes: TERC (telomerase RNA component; minus strand), LOC110806306 (telomerase RNA component (TERC) promoter; plus strand). Cytogenetic location: 3q26.2.
Variant type: single nucleotide variant.
Genome position: GRCh38 VCF-style: chr3-169764793-C-T. GRCh37 (hg19) VCF-style: chr3-169482581-C-T.
Identifiers: ClinVar variation 1349337 (VCV001349337.8), dbSNP rs2108182996, ClinGen allele CA436715220.

ClinVar aggregate classification (germline): Uncertain significance (1 of 4 stars; one submission).

Conditions:
Dyskeratosis congenita, autosomal dominant 1 (DKCA1). Also called: Dyskeratosis congenita Scoggins type. Identifiers: Orphanet 1775, MedGen C4551974, MONDO:0007485, OMIM 127550. Inheritance: Variable.

Submission:

Labcorp Genetics (formerly Invitae), Labcorp
Classification: Uncertain significance for Dyskeratosis congenita, autosomal dominant 1. Last evaluated: 2022-10-12. Review status: criteria provided, single submitter. Criteria: Invitae Variant Classification Sherloc (09022015). Collection method: clinical testing. Allele origin: germline.
Comment: This variant occurs in the TERC gene, which encodes an RNA molecule that does not result in a protein product. In summary, the available evidence is currently insufficient to determine the role of this variant in disease. Therefore, it has been classified as a Variant of Uncertain Significance. This variant is located within the conserved regions 4 and 5 (CR4-CR5) domain of the TERC RNA component, which is required for telomerase activity (PMID: 15082312, 21844345). Experimental studies and prediction algorithms are not available or were not evaluated, and the functional significance of this variant is currently unknown. ClinVar contains an entry for this variant (Variation ID: 1349337). This variant has not been reported in the literature in individuals affected with TERC-related conditions. This variant is not present in population databases (gnomAD no frequency).

Literature cited by the submitters: PubMed 15082312; PubMed 21844345.